The following is an entry in ClinVar:

NM_001014987.2(LAT):c.446C>T (p.Ser149Leu)

Gene: LAT (linker for activation of T cells; plus strand). Cytogenetic location: 16p11.2.
Variant type: single nucleotide variant.
Coding change: c.446C>T on transcript NM_001014987.2 (MANE Select); coding-DNA position 446, C replaced by T.
Protein change: p.Ser149Leu; replaces serine 149 with leucine.
Molecular consequence: missense variant.
Genome position (GRCh38, 1-based): chr16:28,986,846, C>T. VCF-style: chr16-28986846-C-T. GRCh37 (hg19) VCF-style: chr16-28998167-C-T.
Other names: c.443C>T, p.Ser148Leu (NM_001014988.2); c.554C>T, p.Ser185Leu (NM_001014989.2); c.533C>T, p.Ser178Leu (NM_014387.4); short protein forms S149L, S148L, S178L, S185L.
Identifiers: ClinVar variation 1480907 (VCV001480907.8), dbSNP rs116866948, ClinGen allele CA7990017.
Genomic context (GRCh38, chr16:28,986,846, plus strand): 5'-CACTTCCTTTCAGGGTGGTGCTTCCTGACAGCACCCCGGCCACTAGCACTGCTGCCCCAT[C>T]AGCTCCTGCACTCAGCACCCCTGGCATCCGAGACAGTGCCTTCTCCAGTGAGTCAGGCAT-3'
Protein context (NP_001014987.1, residues 139-159): STPATSTAAP[Ser149Leu]APALSTPGIR

ClinVar aggregate classification (germline): Uncertain significance (1 of 4 stars; one submission).

Allele frequency attached by ClinVar (database versions not stated): gnomAD 0.00001; gnomAD exomes 0.00001 and 0.00002; ExAC 0.00002; TOPMed 0.00003; 1000 Genomes Project 30x 0.00016; 1000 Genomes Project 0.00020.

Submission:

Labcorp Genetics (formerly Invitae), Labcorp
Classification: Uncertain significance. Last evaluated: 2021-07-21. Review status: criteria provided, single submitter. Criteria: Invitae Variant Classification Sherloc (09022015). Collection method: clinical testing. Allele origin: germline.
Comment: This sequence change replaces serine with leucine at codon 149 of the LAT protein (p.Ser149Leu). The serine residue is moderately conserved and there is a large physicochemical difference between serine and leucine. This variant is present in population databases (rs116866948, ExAC 0.03%). This variant has not been reported in the literature in individuals affected with LAT-related conditions. Algorithms developed to predict the effect of missense changes on protein structure and function (SIFT, PolyPhen-2, Align-GVGD) all suggest that this variant is likely to be tolerated. In summary, the available evidence is currently insufficient to determine the role of this variant in disease. Therefore, it has been classified as a Variant of Uncertain Significance.